The following is an entry in ClinVar:

ClinVar aggregate classification (germline): Likely pathogenic. Review status: criteria provided, multiple submitters, no conflicts (2 of 4 stars). 4 submissions from 4 submitters: Likely pathogenic (3). 1 of the submissions does not count toward it. Last evaluated 2026-01-25.

Conditions:
ACADVL-related disorder. Also called: ACADVL-related condition.
Very long chain acyl-CoA dehydrogenase deficiency (ACADVLD). Also called: Very Long-Chain Acyl-Coenzyme A Dehydrogenase Deficiency; VLCAD Deficiency. Identifiers: Orphanet 26793, MedGen C3887523, MONDO:0008723, OMIM 201475.

Allele frequency attached by ClinVar (database versions not stated): gnomAD exomes below 0.00001 and 0.00001; TOPMed below 0.00001; ExAC 0.00001; gnomAD 0.00001.
gnomAD v4.1: 11 of 1,613,758 alleles (0.00068%); highest among the groups gnomAD compares: Non-Finnish European, 0.00085%; no homozygotes.

Submissions (4):

Labcorp Genetics (formerly Invitae), Labcorp
Classification: Likely pathogenic for Very long chain acyl-CoA dehydrogenase deficiency. Last evaluated: 2026-01-25. Review status: criteria provided, single submitter. Criteria: Invitae Variant Classification Sherloc (09022015). Collection method: clinical testing. Allele origin: germline.
Comment: This sequence change replaces arginine, which is basic and polar, with glycine, which is neutral and non-polar, at codon 286 of the ACADVL protein (p.Arg286Gly). This variant is present in population databases (rs751556332, gnomAD 0.0009%). This missense change has been observed in individual(s) with very long-chain acyl-CoA dehydrogenase deficiency (PMID: 20060901). ClinVar contains an entry for this variant (Variation ID: 1517749). Invitae Evidence Modeling of protein sequence and biophysical properties (such as structural, functional, and spatial information, amino acid conservation, physicochemical variation, residue mobility, and thermodynamic stability) has been performed for this missense variant. However, the output from this modeling did not meet the statistical confidence thresholds required to predict the impact of this variant on ACADVL protein function. In summary, the currently available evidence indicates that the variant is pathogenic, but additional data are needed to prove that conclusively. Therefore, this variant has been classified as Likely Pathogenic.

Fulgent Genetics
Classification: Likely pathogenic for Very long chain acyl-CoA dehydrogenase deficiency. Last evaluated: 2024-03-13. Review status: criteria provided, single submitter. Criteria: ACMG Guidelines, 2015. Collection method: clinical testing. Allele origin: germline.

Baylor Genetics
Classification: Likely pathogenic for Very long chain acyl-CoA dehydrogenase deficiency. Last evaluated: 2023-07-16. Review status: criteria provided, single submitter. Criteria: ACMG Guidelines, 2015. Collection method: clinical testing. Allele origin: unknown.

PreventionGenetics, part of Exact Sciences
Classification: Likely pathogenic for ACADVL-related condition. Last evaluated: 2024-08-15. Review status: no assertion criteria provided. Collection method: clinical testing. Allele origin: germline. Not counted in ClinVar's aggregate classification.
Comment: The ACADVL c.856A>G variant is predicted to result in the amino acid substitution p.Arg286Gly. This variant has been reported, along with an ACADVL nonsense variant, in an individual with very long chain acyl-CoA dehydrogenase deficiency (VLCADD, Gobin-Limballe et al. 2007. PubMed ID: 17999356). In vitro functional studies from patient cells demonstrated an absence of enzyme activity and very low protein levels, when compared to controls (Gobin-Limballe et al. 2007. PubMed ID: 17999356; Gobin-Limballe et al. 2010. PubMed ID: 20060901). This variant is reported in one individual (0.00088% of alleles) of European (non-Finnish) descent in gnomAD. This variant is interpreted as likely pathogenic.

Literature cited by the submitters: PubMed 20060901 (cited by Labcorp Genetics (formerly Invitae), Labcorp).

NM_000018.4(ACADVL):c.856A>G (p.Arg286Gly)

Gene: ACADVL (acyl-CoA dehydrogenase very long chain; plus strand). Cytogenetic location: 17p13.1.
Variant type: single nucleotide variant.
Coding change: c.856A>G on transcript NM_000018.4 (MANE Select); coding-DNA position 856, A replaced by G.
Protein change: p.Arg286Gly; replaces arginine 286 with glycine.
Molecular consequence: missense variant.
Genome position (GRCh38, 1-based): chr17:7,222,280, A>G. VCF-style: chr17-7222280-A-G. GRCh37 (hg19) VCF-style: chr17-7125599-A-G.
Other names: c.856A>G (NM_000018.3); c.790A>G, p.Arg264Gly (NM_001033859.3); c.925A>G, p.Arg309Gly (NM_001270447.2); c.628A>G, p.Arg210Gly (NM_001270448.2); short protein forms R309G, R210G, R286G, R264G.
Identifiers: ClinVar variation 1517749 (VCV001517749.9), dbSNP rs751556332, ClinGen allele CA8337869.